The following is an entry in ClinVar:

NM_000051.4(ATM):c.8469T>A (p.Val2823=)

Genes: ATM (ATM serine/threonine kinase; plus strand), C11orf65 (chromosome 11 open reading frame 65; minus strand). Cytogenetic location: 11q22.3.
Variant type: single nucleotide variant.
Coding change: c.8469T>A on transcript NM_000051.4 (MANE Select); coding-DNA position 8469, T replaced by A.
Protein change: p.Val2823=; no amino-acid change (valine 2823 retained).
Molecular consequence: synonymous variant. On other transcripts: intron variant (2).
Genome position (GRCh38, 1-based): chr11:108,345,793, T>A. VCF-style: chr11-108345793-T-A. GRCh37 (hg19) VCF-style: chr11-108216520-T-A.
Other names: c.8469T>A, p.Val2823= (NM_001351834.2); c.641-36722A>T (NM_001330368.2); c.695-10501A>T (NM_001351110.2).
Identifiers: ClinVar variation 1763479 (VCV001763479.8), dbSNP rs1555138081, ClinGen allele CA476673079.

ClinVar aggregate classification (germline): Benign/Likely benign. Review status: criteria provided, multiple submitters, no conflicts (2 of 4 stars). 3 submissions from 3 submitters: Benign (1); Likely benign (2). Last evaluated 2024-06-20.

Conditions:
Ataxia-telangiectasia syndrome (AT). Also called: Ataxia telangiectasia (A-T); LOUIS-BAR SYNDROME; Cerebello-oculocutaneous telangiectasia; Immunodeficiency with ataxia telangiectasia; Ataxia-telangiectasia, complementation group D; AT, COMPLEMENTATION GROUP C. Identifiers: Orphanet 100, MedGen C0004135, MONDO:0008840, OMIM 208900.
Familial cancer of breast. Also called: Hereditary breast cancer; hereditary breast carcinoma; BREAST CANCER, FAMILIAL. Identifiers: Orphanet 227535, MedGen C0346153, MONDO:0016419, OMIM 114480. Disease mechanism: loss of function.
Hereditary cancer-predisposing syndrome. Also called: Hereditary neoplastic syndrome; Neoplastic Syndromes, Hereditary; Tumor predisposition; Hereditary Cancer Syndrome. Identifiers: Orphanet 140162, MedGen C0027672, MeSH D009386, MONDO:0015356.

Submissions (3):

Myriad Genetics, Inc.
Classification: Benign for Familial cancer of breast. Last evaluated: 2024-06-20. Review status: criteria provided, single submitter. Criteria: Myriad Autosomal Dominant, Autosomal Recessive and X-Linked Classification Criteria (2023). Collection method: clinical testing. Allele origin: unknown.
Comment: This variant is considered benign. This variant is a silent/synonymous amino acid change and it is not expected to impact splicing.

Labcorp Genetics (formerly Invitae), Labcorp
Classification: Likely benign for Ataxia-telangiectasia syndrome. Last evaluated: 2022-10-17. Review status: criteria provided, single submitter. Criteria: Invitae Variant Classification Sherloc (09022015). Collection method: clinical testing. Allele origin: germline.

Ambry Genetics
Classification: Likely benign for Hereditary cancer-predisposing syndrome. Last evaluated: 2020-11-02. Review status: criteria provided, single submitter. Criteria: Ambry Variant Classification Scheme 2023. Collection method: clinical testing. Allele origin: germline.